The following is an entry in ClinVar:

ClinVar aggregate classification (germline): Uncertain significance. Review status: criteria provided, multiple submitters, no conflicts (2 of 4 stars). 4 submissions from 4 submitters: Uncertain significance (3). 1 of the submissions does not count toward it. Last evaluated 2025-09-25.

Conditions:
Polycystic kidney disease, adult type (PKD1). Also called: Polycystic Kidney Disease 1, Autosomal Dominant; Polycystic kidney disease 1; Polycystic kidney disease 1, severe; Polycystic Kidney, Autosomal Dominant; POLYCYSTIC KIDNEY DISEASE 1 WITH OR WITHOUT POLYCYSTIC LIVER DISEASE; POLYCYSTIC KIDNEY DISEASE, ADULT, TYPE I. Identifiers: MedGen C3149841, MONDO:0008263, OMIM 173900.
PKD1-related disorder. Also called: PKD1-related condition.

Allele frequency attached by ClinVar (database versions not stated): gnomAD exomes 0.00022; ExAC 0.00024; gnomAD 0.00024; ESP Exome Variant Server 0.00025; TOPMed 0.00028.
gnomAD v4.1: 350 of 1,600,062 alleles (0.022%); highest among the groups gnomAD compares: Non-Finnish European, 0.028%; no homozygotes.

Submissions (4):

PreventionGenetics, part of Exact Sciences
Classification: Uncertain significance for PKD1-related condition. Last evaluated: 2025-09-25. Review status: criteria provided, single submitter. Criteria: ACMG Guidelines, 2015. Collection method: clinical testing. Allele origin: germline.
Comment: The PKD1 c.8593C>T variant is predicted to result in the amino acid substitution p.Arg2865Trp. This variant was reported in a next generation sequencing (NGS) study of monogenic diseases leading to organ failure (Saglia et al. 2023. PubMed ID: 38012624). This variant is reported in 0.044% of alleles in individuals of European (Non-Finnish) descent in gnomAD. The p.Arg2865 residue is weakly conserved. The REVEL (rare exome variant ensemble learner) program predicts this variant is benign at a "supporting" level (Ioannidis et al. 2016. PubMed ID: 27666373; Bergquist et al. 2024. PubMed ID: 39345488). Although we suspect that this variant may be benign, at this time, the clinical significance of this variant is uncertain due to the absence of conclusive functional and genetic evidence.

Women's Health and Genetics/Laboratory Corporation of America, LabCorp
Classification: Uncertain significance. Last evaluated: 2025-02-18. Review status: criteria provided, single submitter. Criteria: LabCorp Variant Classification Summary - May 2015. Collection method: clinical testing. Allele origin: germline.
Comment: Variant summary: PKD1 c.8593C>T (p.Arg2865Trp) results in a non-conservative amino acid change in the encoded protein sequence. Three of five in-silico tools predict a damaging effect of the variant on protein function. The variant allele was found at a frequency of 0.00021 in 234074 control chromosomes. This frequency is not significantly higher than estimated for a pathogenic variant in PKD1 causing Polycystic Kidney Disease 1 (0.00021 vs 0.0005), allowing no conclusion about variant significance. c.8593C>T has been reported in the literature in individuals affected with clinical features of PKD1-related conditions (Rossetti_2012, Mallawaarachchi_2016, Saglia_2023). These report(s) do not provide unequivocal conclusions about association of the variant with Polycystic Kidney Disease 1. To our knowledge, no experimental evidence demonstrating an impact on protein function has been reported. The following publications have been ascertained in the context of this evaluation (PMID: 22383692, 27165007, 38012624). ClinVar contains an entry for this variant (Variation ID: 2582217). Based on the evidence outlined above, the variant was classified as uncertain significance.

Department of Pathology and Laboratory Medicine, Sinai Health System
Classification: Uncertain significance for Polycystic kidney disease, adult type. Last evaluated: 2022-09-12. Review status: criteria provided, single submitter. Criteria: ACMG Guidelines, 2015. Collection method: clinical testing. Allele origin: germline. Affected: yes.

Immunogenetics and Transplant Biology Service, University Hospital "Città della Salute e della Scienza di Torino"
Classification: Uncertain significance for Polycystic kidney disease, adult type. Last evaluated: 2023-07-03. Review status: no assertion criteria provided. Collection method: clinical testing. Allele origin: germline. Affected: yes. Not counted in ClinVar's aggregate classification.

Literature cited by the submitters: PubMed 27165007 (cited by Women's Health and Genetics/Laboratory Corporation of America, LabCorp); PubMed 22383692 (cited by Women's Health and Genetics/Laboratory Corporation of America, LabCorp and Department of Pathology and Laboratory Medicine, Sinai Health System); PubMed 38012624 (cited by Women's Health and Genetics/Laboratory Corporation of America, LabCorp).

NM_001009944.3(PKD1):c.8593C>T (p.Arg2865Trp)

Gene: PKD1 (polycystin 1, transient receptor potential channel interacting; minus strand). Cytogenetic location: 16p13.3.
Variant type: single nucleotide variant.
Coding change: c.8593C>T on transcript NM_001009944.3 (MANE Select); coding-DNA position 8593, C replaced by T.
Protein change: p.Arg2865Trp; replaces arginine 2865 with tryptophan.
Molecular consequence: missense variant.
Genome position (GRCh38, 1-based): chr16:2,103,464, G>A on the plus strand (C>T on the coding strand, the complement: PKD1 is on the minus strand). VCF-style: chr16-2103464-G-A. GRCh37 (hg19) VCF-style: chr16-2153465-G-A.
Other names: c.8593C>T, p.Arg2865Trp (NM_000296.4); short protein forms R2865W.
Identifiers: ClinVar variation 2582217 (VCV002582217.4), dbSNP rs370251642, ClinGen allele CA7830459.